The following is an entry in ClinVar:

ClinVar aggregate classification (germline): Uncertain significance. Review status: criteria provided, multiple submitters, no conflicts (2 of 4 stars). 3 submissions from 3 submitters: Uncertain significance (3). Last evaluated 2025-04-14.

Conditions:
DICER1-related tumor predisposition. Also called: DICER1-related pleuropulmonary blastoma cancer predisposition syndrome; DICER1 syndrome. Identifiers: Orphanet 284343, MedGen C3839822, MONDO:0100216.
Hereditary cancer-predisposing syndrome. Also called: Hereditary Cancer Syndrome; Tumor predisposition; Neoplastic Syndromes, Hereditary; Hereditary neoplastic syndrome. Identifiers: Orphanet 140162, MedGen C0027672, MeSH D009386, MONDO:0015356.
Global developmental delay - lung cysts - overgrowth - Wilms tumor syndrome. Also called: GLOW Syndrome; GLOBAL DEVELOPMENTAL DELAY, LUNG CYSTS, OVERGROWTH, AND WILMS TUMOR. Identifiers: Orphanet 404476, MedGen C4748924, MONDO:0018445, OMIM 618272.

Allele frequency attached by ClinVar (database versions not stated): gnomAD exomes below 0.00001 and 0.00001; TOPMed 0.00001.
gnomAD v4.1: 1 of 1,610,200 alleles (0.000062%); highest among the groups gnomAD compares: East Asian, 0.0022%; no homozygotes.

Submissions (3):

Labcorp Genetics (formerly Invitae), Labcorp
Classification: Uncertain significance for DICER1-related tumor predisposition. Last evaluated: 2025-04-14. Review status: criteria provided, single submitter. Criteria: Invitae Variant Classification Sherloc (09022015). Collection method: clinical testing. Allele origin: germline.
Comment: This sequence change replaces isoleucine, which is neutral and non-polar, with valine, which is neutral and non-polar, at codon 813 of the DICER1 protein (p.Ile813Val). This variant is present in population databases (no rsID available, gnomAD 0.01%). This variant has not been reported in the literature in individuals affected with DICER1-related conditions. ClinVar contains an entry for this variant (Variation ID: 651877). Invitae Evidence Modeling of protein sequence and biophysical properties (such as structural, functional, and spatial information, amino acid conservation, physicochemical variation, residue mobility, and thermodynamic stability) indicates that this missense variant is not expected to disrupt DICER1 protein function with a negative predictive value of 95%. In summary, the available evidence is currently insufficient to determine the role of this variant in disease. Therefore, it has been classified as a Variant of Uncertain Significance.

Ambry Genetics
Classification: Uncertain significance for Hereditary cancer-predisposing syndrome. Last evaluated: 2023-09-13. Review status: criteria provided, single submitter. Criteria: Ambry Variant Classification Scheme 2023. Collection method: clinical testing. Allele origin: germline.
Comment: The p.I813V variant (also known as c.2437A>G) is located in coding exon 15 of the DICER1 gene. The isoleucine at codon 813 is replaced by valine, an amino acid with highly similar properties. This change occurs in the first base pair of coding exon 15. This amino acid position is conserved. In addition, this alteration is predicted to be tolerated by in silico analysis. Since supporting evidence is limited at this time, the clinical significance of this alteration remains unclear.

Baylor Genetics
Classification: Uncertain significance for Global developmental delay - lung cysts - overgrowth - Wilms tumor syndrome. Last evaluated: 2023-06-20. Review status: criteria provided, single submitter. Criteria: ACMG Guidelines, 2015. Collection method: clinical testing. Allele origin: unknown.

NM_177438.3(DICER1):c.2437A>G (p.Ile813Val)

Gene: DICER1 (dicer 1, ribonuclease III; minus strand). Cytogenetic location: 14q32.13.
Variant type: single nucleotide variant.
Coding change: c.2437A>G on transcript NM_177438.3 (MANE Select); coding-DNA position 2437, A replaced by G.
Protein change: p.Ile813Val; replaces isoleucine 813 with valine.
Molecular consequence: missense variant.
Genome position (GRCh38, 1-based): chr14:95,108,093, T>C on the plus strand (A>G on the coding strand, the complement: DICER1 is on the minus strand). VCF-style: chr14-95108093-T-C. GRCh37 (hg19) VCF-style: chr14-95574430-T-C.
Other names: c.2437A>G, p.Ile813Val (NM_001195573.1, NM_001271282.3, NM_001291628.2 and 1 more transcripts); short protein forms I813V.
Identifiers: ClinVar variation 651877 (VCV000651877.12), dbSNP rs1354652606, ClinGen allele CA390882033.
Genomic context (GRCh38, chr14:95,108,093, plus strand): 5'-TCTTCAACTCAATGGATATGGTAACCTCTCCAGAGCGTGTGTACACAGGAAAGTGTGGAA[T>C]CTTAGCAAAAGGAAATGTAAAGCACCCCTCAAAATTAACAGGTATTTTATTCCATTACAG-3'
Protein context (NP_803187.1, residues 803-823): GILTAKPIPQ[Ile813Val]PHFPVYTRSG